The following is an entry in ClinVar:

NM_001029883.3(PCARE):c.1592G>A (p.Arg531Lys)

Gene: PCARE (photoreceptor cilium actin regulator; minus strand). Cytogenetic location: 2p23.2.
Variant type: single nucleotide variant.
Coding change: c.1592G>A on transcript NM_001029883.3 (MANE Select); coding-DNA position 1592, G replaced by A.
Protein change: p.Arg531Lys; replaces arginine 531 with lysine.
Molecular consequence: missense variant.
Genome position (GRCh38, 1-based): chr2:29,072,670, C>T on the plus strand (G>A on the coding strand, the complement: PCARE is on the minus strand). VCF-style: chr2-29072670-C-T. GRCh37 (hg19) VCF-style: chr2-29295536-C-T.
Other names: short protein forms R531K.
Identifiers: ClinVar variation 1488963 (VCV001488963.6), dbSNP rs180872804, ClinGen allele CA1592391.

ClinVar aggregate classification (germline): Uncertain significance. Review status: criteria provided, multiple submitters, no conflicts (2 of 4 stars). 2 submissions from 2 submitters: Uncertain significance (2). Last evaluated 2024-10-02.

Allele frequency attached by ClinVar (database versions not stated): gnomAD exomes 0.00002 and 0.00003; ExAC 0.00004; gnomAD 0.00013; TOPMed 0.00015; 1000 Genomes Project 30x 0.00016; 1000 Genomes Project 0.00020.
gnomAD v4.1: 46 of 1,614,084 alleles (0.0028%); highest among the groups gnomAD compares: African/African-American, 0.049%; no homozygotes.

Submissions (2):

Blueprint Genetics
Classification: Uncertain significance. Last evaluated: 2024-10-02. Review status: criteria provided, single submitter. Criteria: ACMG Guidelines, 2015. Collection method: clinical testing. Allele origin: germline.

Labcorp Genetics (formerly Invitae), Labcorp
Classification: Uncertain significance. Last evaluated: 2022-09-27. Review status: criteria provided, single submitter. Criteria: Invitae Variant Classification Sherloc (09022015). Collection method: clinical testing. Allele origin: germline.
Comment: This sequence change replaces arginine, which is basic and polar, with lysine, which is basic and polar, at codon 531 of the PCARE protein (p.Arg531Lys). This variant is present in population databases (rs180872804, gnomAD 0.05%). This variant has not been reported in the literature in individuals affected with PCARE-related conditions. ClinVar contains an entry for this variant (Variation ID: 1488963). Algorithms developed to predict the effect of missense changes on protein structure and function output the following: SIFT: "Tolerated"; PolyPhen-2: "Benign"; Align-GVGD: "Class C0". The lysine amino acid residue is found in multiple mammalian species, which suggests that this missense change does not adversely affect protein function. In summary, the available evidence is currently insufficient to determine the role of this variant in disease. Therefore, it has been classified as a Variant of Uncertain Significance.